The following is an entry in ClinVar:

NM_001035.3(RYR2):c.13913+3G>A

Gene: RYR2 (ryanodine receptor 2; plus strand). Cytogenetic location: 1q43.
Variant type: single nucleotide variant.
Coding change: c.13913+3G>A on transcript NM_001035.3 (MANE Select); 3 bases into the intron after coding-DNA position 13913, G replaced by A.
Molecular consequence: intron variant.
Genome position (GRCh38, 1-based): chr1:237,794,000, G>A. VCF-style: chr1-237794000-G-A. GRCh37 (hg19) VCF-style: chr1-237957300-G-A.
Identifiers: ClinVar variation 3072048 (VCV003072048.2), dbSNP rs2527950897, ClinGen allele CA2574462203.
Genomic context (GRCh38, chr1:237,794,000, plus strand): 5'-AACAGCCTTCAGAAGATGATATTAAAGGCCAGTGGGATAGACTCGTAATCAACACACAGT[G>A]AGTAAATAATTATATGAGACTTTCTGCACTCAAAAATTTCAGACATGAAAATATTTGGTT-3'

ClinVar aggregate classification (germline): Uncertain significance. Review status: criteria provided, multiple submitters, no conflicts (2 of 4 stars). 2 submissions from 2 submitters: Uncertain significance (2). Last evaluated 2025-08-18.

Conditions:
Catecholaminergic polymorphic ventricular tachycardia (CVPT). Also called: Catecholamine-induced polymorphic ventricular tachycardia. Identifiers: Orphanet 3286, MedGen C5574922, MONDO:0017990.
Catecholaminergic polymorphic ventricular tachycardia 1. Also called: VENTRICULAR TACHYCARDIA, CATECHOLAMINERGIC POLYMORPHIC, 1, WITH OR WITHOUT ATRIAL DYSFUNCTION AND/OR DILATED CARDIOMYOPATHY; RYR2-Related Catecholaminergic Polymorphic Ventricular Tachycardia; VENTRICULAR TACHYCARDIA, STRESS-INDUCED POLYMORPHIC 1. Identifiers: Orphanet 3286, MedGen C1631597, MONDO:0011484, OMIM 604772.

Submissions (2):

Labcorp Genetics (formerly Invitae), Labcorp
Classification: Uncertain significance for Catecholaminergic polymorphic ventricular tachycardia 1. Last evaluated: 2025-08-18. Review status: criteria provided, single submitter. Criteria: Invitae Variant Classification Sherloc (09022015). Collection method: clinical testing. Allele origin: germline.
Comment: This sequence change falls in intron 95 of the RYR2 gene. It does not directly change the encoded amino acid sequence of the RYR2 protein. It affects a nucleotide within the consensus splice site. This variant is not present in population databases (gnomAD no frequency). This variant has not been reported in the literature in individuals affected with RYR2-related conditions. ClinVar contains an entry for this variant (Variation ID: 3072048). Variants that disrupt the consensus splice site are a relatively common cause of aberrant splicing (PMID: 17576681, 9536098). Algorithms developed to predict the effect of sequence changes on RNA splicing suggest that this variant is not likely to affect RNA splicing. In summary, the available evidence is currently insufficient to determine the role of this variant in disease. Therefore, it has been classified as a Variant of Uncertain Significance.

All of Us Research Program, National Institutes of Health
Classification: Uncertain significance for Catecholaminergic polymorphic ventricular tachycardia. Last evaluated: 2023-06-26. Review status: criteria provided, single submitter. Criteria: ACMG Guidelines, 2015. Collection method: clinical testing. Allele origin: germline. Inheritance: Autosomal dominant inheritance. Observed: 1 variant allele, 1 heterozygote.
Comment: This variant causes a G to A nucleotide substitution at the +3 position of intron 95 of the RYR2 gene. To our knowledge, functional studies have not been reported for this variant. This variant has not been reported in individuals affected with RYR2-related disorders in the literature. This variant has not been identified in the general population by the Genome Aggregation Database (gnomAD). The available evidence is insufficient to determine the role of this variant in disease conclusively. Therefore, this variant is classified as a Variant of Uncertain Significance.

This study involves interpretation of variants in research participants for the purpose of population health screening. Participant phenotype was not available at the time of variant classification. Additional details can be found in publication PMID: 35346344, PMCID: PMC8962531

Literature cited by the submitters: PubMed 17576681 (cited by Labcorp Genetics (formerly Invitae), Labcorp); PubMed 9536098 (cited by Labcorp Genetics (formerly Invitae), Labcorp).